The following is an entry in ClinVar:

NM_024675.4(PALB2):c.2303G>A (p.Cys768Tyr)

Gene: PALB2 (partner and localizer of BRCA2; minus strand). Cytogenetic location: 16p12.2.
Variant type: single nucleotide variant.
Coding change: c.2303G>A on transcript NM_024675.4 (MANE Select); coding-DNA position 2303, G replaced by A.
Protein change: p.Cys768Tyr; replaces cysteine 768 with tyrosine.
Molecular consequence: missense variant.
Genome position (GRCh38, 1-based): chr16:23,629,851, C>T on the plus strand (G>A on the coding strand, the complement: PALB2 is on the minus strand). VCF-style: chr16-23629851-C-T. GRCh37 (hg19) VCF-style: chr16-23641172-C-T.
Other names: short protein forms C768Y.
Identifiers: ClinVar variation 1045609 (VCV001045609.10), dbSNP rs1060502770, ClinGen allele CA395125262.

ClinVar aggregate classification (germline): Uncertain significance (1 of 4 stars; one submission).

Conditions:
Familial cancer of breast. Also called: Hereditary breast cancer; hereditary breast carcinoma; BREAST CANCER, FAMILIAL. Identifiers: Orphanet 227535, MedGen C0346153, MONDO:0016419, OMIM 114480. Disease mechanism: loss of function.

gnomAD v4.1: 3 of 1,614,182 alleles (0.00019%); highest among the groups gnomAD compares: Non-Finnish European, 0.00017%; no homozygotes.

Submission:

Labcorp Genetics (formerly Invitae), Labcorp
Classification: Uncertain significance for Familial cancer of breast. Last evaluated: 2020-11-06. Review status: criteria provided, single submitter. Criteria: Invitae Variant Classification Sherloc (09022015). Collection method: clinical testing. Allele origin: germline.
Comment: This sequence change replaces cysteine with tyrosine at codon 768 of the PALB2 protein (p.Cys768Tyr). The cysteine residue is moderately conserved and there is a large physicochemical difference between cysteine and tyrosine. This variant is not present in population databases (ExAC no frequency). This variant has not been reported in the literature in individuals with PALB2-related conditions. Algorithms developed to predict the effect of missense changes on protein structure and function (SIFT, PolyPhen-2, Align-GVGD) all suggest that this variant is likely to be tolerated, but these predictions have not been confirmed by published functional studies and their clinical significance is uncertain. In summary, the available evidence is currently insufficient to determine the role of this variant in disease. Therefore, it has been classified as a Variant of Uncertain Significance.